The following is an entry in ClinVar:

ClinVar aggregate classification (germline): Benign. Review status: criteria provided, multiple submitters, no conflicts (2 of 4 stars). 3 submissions from 3 submitters: Benign (3). Last evaluated 2026-01-26.

Allele frequency attached by ClinVar (database versions not stated): ExAC 0.00901; gnomAD exomes 0.00919; gnomAD 0.01408 and 0.01470; 1000 Genomes Project 0.01498; 1000 Genomes Project 30x 0.01530; ESP Exome Variant Server 0.01469; TOPMed 0.01647.
gnomAD v4.1: 10,322 of 1,614,058 alleles (0.64%); highest among the groups gnomAD compares: African/African-American, 3.7%; 93 homozygotes.

Submissions (3):

Labcorp Genetics (formerly Invitae), Labcorp
Classification: Benign. Last evaluated: 2026-01-26. Review status: criteria provided, single submitter. Criteria: Invitae Variant Classification Sherloc (09022015). Collection method: clinical testing. Allele origin: germline.

Mayo Clinic Laboratories, Mayo Clinic
Classification: Benign. Last evaluated: 2024-05-14. Review status: criteria provided, single submitter. Criteria: ACMG Guidelines, 2015. Collection method: clinical testing. Allele origin: germline. Observed: 3 variant alleles.
Comment: BA1, BS2, BP4, BP7

Breakthrough Genomics
Classification: Benign. Review status: criteria provided, single submitter. Criteria: ACMG Guidelines, 2015. Collection method: not provided. Allele origin: germline. Inheritance: Autosomal dominant inheritance. Affected: yes.

NM_015215.4(CAMTA1):c.3378C>T (p.Ala1126=)

Gene: CAMTA1 (calmodulin binding transcription activator 1; plus strand). Cytogenetic location: 1p36.23.
Variant type: single nucleotide variant.
Coding change: c.3378C>T on transcript NM_015215.4 (MANE Select); coding-DNA position 3378, C replaced by T.
Protein change: p.Ala1126=; no amino-acid change (alanine 1126 retained).
Molecular consequence: synonymous variant.
Genome position (GRCh38, 1-based): chr1:7,737,290, C>T. VCF-style: chr1-7737290-C-T. GRCh37 (hg19) VCF-style: chr1-7797350-C-T.
Other names: p.Ala1126=; c.3288C>T, p.Ala1096= (NM_001349608.2, NM_001349612.2); c.3378C>T, p.Ala1126= (NM_001349609.2, NM_001349610.2); c.507C>T, p.Ala169= (NM_001349613.1); c.450C>T, p.Ala150= (NM_001349614.1, NM_001349615.2, NM_001349616.2 and 10 more transcripts).
Identifiers: ClinVar variation 769501 (VCV000769501.11), dbSNP rs41278950, ClinGen allele CA566940.